The following is an entry in ClinVar:

NM_000419.5(ITGA2B):c.408+16C>T

Genes: ITGA2B (integrin subunit alpha 2b; minus strand), LOC130060983 (ATAC-STARR-seq lymphoblastoid active region 12261; plus strand). Cytogenetic location: 17q21.31.
Variant type: single nucleotide variant.
Coding change: c.408+16C>T on transcript NM_000419.5 (MANE Select); 16 bases into the intron after coding-DNA position 408, C replaced by T.
Molecular consequence: intron variant.
Genome position (GRCh38, 1-based): chr17:44,385,808, G>A on the plus strand (C>T on the coding strand, the complement: ITGA2B is on the minus strand). VCF-style: chr17-44385808-G-A. GRCh37 (hg19) VCF-style: chr17-42463176-G-A.
Identifiers: ClinVar variation 1677036 (VCV001677036.9), dbSNP rs377288289, ClinGen allele CA8603479.
Genomic context (GRCh38, chr17:44,385,808, plus strand): 5'-GCGAGACTTGGGCTCCTCCTGGCCCCAGGTGTCCCTGCCCCCGATTGTTCCCTGTGCCCT[G>A]TACCGCGGGGCCCACCACAATGACGTCGCTCCAGCTGACGACCGACGCCCCCAGTCCTTG-3'

ClinVar aggregate classification (germline): Uncertain significance. Review status: reviewed by expert panel (3 of 4 stars). 3 submissions from 3 submitters: Uncertain significance (1). 2 of the submissions do not count toward it. Last evaluated 2024-02-20.

Conditions:
Glanzmann thrombasthenia. Also called: THROMBASTHENIA OF GLANZMANN AND NAEGELI; BLEEDING DISORDER, PLATELET-TYPE, 2; Thrombasthenia; Glanzmann's thrombasthenia; PLATELET GLYCOPROTEIN IIb-IIIa DEFICIENCY. Identifiers: Orphanet 849, MedGen C0040015, MONDO:0100326.

Allele frequency attached by ClinVar (database versions not stated): TOPMed 0.00006; gnomAD 0.00013 and 0.00014; gnomAD exomes 0.00014 and 0.00028; ESP Exome Variant Server 0.00023; ExAC 0.00037.
gnomAD v4.1: 223 of 1,605,382 alleles (0.014%); highest among the groups gnomAD compares: Admixed American, 0.017%; 1 homozygote.

Submissions (3):

ClinGen Platelet Disorders Variant Curation Expert Panel, ClinGen
Classification: Uncertain significance for Glanzmann thrombasthenia. Last evaluated: 2024-02-20. Review status: reviewed by expert panel. Criteria: ClinGen Platelet ACMG Specifications v2-1. Collection method: curation. Allele origin: germline. Inheritance: Autosomal recessive inheritance.
Comment: The c.408+16C>T variant in ITGA2B is an intronic variant which is located in intron 3. The highest population minor allele frequency in gnomAD v4 is 0.001457 (92/63124 alleles) in the European (Finnish) population. This intermediate allele frequency is lower than the ClinGen PD VCEP threshold (>0.00158) for BS1 but higher than the threshold (<0.0001) for PM2_Supporting. The computational splicing predictor SpliceAI gives a score of 0.25 for donor site loss, predicting that the variant may disrupt the splice site of intron 3 of ITGA2B (BP7_NotMet). In summary, this variant meets the criteria to be classified as a variant of uncertain significance for autosomal recessive Glanzmann Thrombasthenia based on the ACMG/AMP criteria applied, as specified by the ClinGen PD VCEP.

Labcorp Genetics (formerly Invitae), Labcorp
Classification: Likely benign for Glanzmann thrombasthenia. Last evaluated: 2026-01-17. Review status: criteria provided, single submitter. Criteria: Invitae Variant Classification Sherloc (09022015). Collection method: clinical testing. Allele origin: germline. Not counted in ClinVar's aggregate classification.

Women's Health and Genetics/Laboratory Corporation of America, LabCorp
Classification: Likely benign. Last evaluated: 2025-01-09. Review status: criteria provided, single submitter. Criteria: LabCorp Variant Classification Summary - May 2015. Collection method: clinical testing. Allele origin: germline. Not counted in ClinVar's aggregate classification.
Comment: Variant summary: ITGA2B c.408+16C>T alters a nucleotide located at a position not widely known to affect splicing. Consensus agreement among computation tools predict no significant impact on normal splicing. However, these predictions have yet to be confirmed by functional studies. The variant allele was found at a frequency of 0.00028 in 228182 control chromosomes in the gnomAD database, including 1 homozygotes. This frequency is not significantly higher than estimated for a pathogenic variant in ITGA2B causing ITGA2B-Related Disorders, allowing no conclusion about variant significance. To our knowledge, no occurrence of c.408+16C>T in individuals affected with ITGA2B-Related Disorders and no experimental evidence demonstrating its impact on protein function have been reported. ClinVar contains an entry for this variant (Variation ID: 1677036). Based on the evidence outlined above, the variant was classified as likely benign.